The following is an entry in ClinVar:

ClinVar aggregate classification (germline): Uncertain significance (1 of 4 stars; one submission).

Conditions:
Hereditary pancreatitis (PCTT). Also called: Hereditary chronic pancreatitis; PRSS1-Related Hereditary Pancreatitis. Identifiers: Orphanet 676, MedGen C0238339, MONDO:0008185, OMIM 167800.

Submission:

Ambry Genetics
Classification: Uncertain significance for Hereditary pancreatitis. Last evaluated: 2026-06-05. Review status: criteria provided, single submitter. Criteria: Ambry Variant Classification Scheme 2023. Collection method: clinical testing. Allele origin: germline.
Comment: The p.M183L variant (also known as c.547A>T), located in coding exon 4 of the PRSS1 gene, results from an A to T substitution at nucleotide position 547. The methionine at codon 183 is replaced by leucine, an amino acid with highly similar properties. This amino acid position is conserved. In addition, this alteration is predicted to be deleterious by in silico analysis. Based on the available evidence, the clinical significance of this variant remains unclear.

NM_002769.5(PRSS1):c.547A>T (p.Met183Leu)

Genes: PRSS1 (serine protease 1; plus strand), TRB (T cell receptor beta locus; plus strand). Cytogenetic location: 7q34.
Variant type: single nucleotide variant.
Coding change: c.547A>T on transcript NM_002769.5 (MANE Select); coding-DNA position 547, A replaced by T.
Protein change: p.Met183Leu; replaces methionine 183 with leucine.
Molecular consequence: missense variant. On other transcripts: non-coding transcript variant (5).
Genome position (GRCh38, 1-based): chr7:142,752,523, A>T. VCF-style: chr7-142752523-A-T. GRCh37 (hg19) VCF-style: chr7-142460374-A-T.
Other names: short protein forms M183L.
Identifiers: ClinVar variation 4862598 (VCV004862598.1).
Genomic context (GRCh38, chr7:142,752,523, plus strand): 5'-GCTCCTGTGCTGAGCCAGGCTAAGTGTGAAGCCTCCTACCCTGGAAAGATTACCAGCAAC[A>T]TGTTCTGTGTGGGCTTCCTTGAGGGAGGCAAGGATTCATGTCAGGTGATTTGACCAACCC-3'
Protein context (NP_002760.1, residues 173-193): ASYPGKITSN[Met183Leu]FCVGFLEGGK